The following is an entry in ClinVar:

ClinVar aggregate classification (germline): Uncertain significance. Review status: reviewed by expert panel (3 of 4 stars). 3 submissions from 3 submitters: Uncertain significance (1). 2 of the submissions do not count toward it. Last evaluated 2026-01-20.

Conditions:
MYOC-related disorder. Also called: MYOC-related disorders; MYOC-related condition. Identifiers: MedGen CN239330.
Glaucoma 1, open angle, A (GLC1A). Also called: Glaucoma, Dominant (Juvenile Onset). Identifiers: Orphanet 98977, MedGen C1842028, MONDO:0007664, OMIM 137750.
Open-angle glaucoma. Identifiers: MedGen C0017612, MONDO:0005338, HP:0012108.

Allele frequency attached by ClinVar (database versions not stated): gnomAD exomes below 0.00001.
gnomAD v4.1: 1 of 1,614,108 alleles (0.000062%); highest among the groups gnomAD compares: Non-Finnish European, 0.000085%; no homozygotes.

Submissions (3):

ClinGen Glaucoma Variant Curation Expert Panel
Classification: Uncertain significance for Open-angle glaucoma. Last evaluated: 2026-01-20. Review status: reviewed by expert panel. Criteria: ClinGen Glaucoma ACMG Specifications V2.0.0 Approved. Collection method: curation. Allele origin: germline. Inheritance: Autosomal dominant inheritance.
Comment: The c.1010A>G variant in MYOC is a missense variant predicted to cause substitution of Glutamine by Arginine at amino acid 337 (p.Gln337Arg). The highest minor allele frequency of this variant was in the European (non-Finnish)) genetic ancestry group of gnomAD (v4.1.0) = 0.0000008474 (1 allele out of 1,180,018), which met the ≤ 0.0001 threshold set for PM2_Supporting in a genetic ancestry group of at least 10,000 alleles. The REVEL score = 0.743, which was within the 0.644-0.772 range for PP3, predicting a damaging effect on MYOC function. There was no functional evidence predicting a damaging or benign impact of this variant on MYOC function. 6 segregations in 2 families, with juvenile or primary open angle glaucoma (JOAG or POAG), have been reported (PMIDs: 34923728, 9361308), which fulfilled PP1_Moderate (≥5 meioses). 5 probands with JOAG or POAG have been reported carrying this variant (PMIDs: 34923728, 32300215, 9361308, 32476818), which met PS4_Supporting (≥ 2 probands). In summary, this variant met the criteria to receive a score of 5 and to be classified as a variant of uncertain significance (uncertain significance classification range -1 to 5, adapted from PMID: 32720330) for primary open angle glaucoma based on the ACMG/AMP criteria met, as specified by the ClinGen Glaucoma VCEP (v2.0.0, 5 Dec 2024): PP1_Moderate, PP3, PS4_Supporting, PM2_Supporting.

Blueprint Genetics
Classification: Likely pathogenic for MYOC-related disorders. Last evaluated: 2021-03-03. Review status: criteria provided, single submitter. Criteria: ACMG Guidelines, 2015. Collection method: clinical testing. Allele origin: germline. Affected: yes. Observed: 3 variant alleles. Not counted in ClinVar's aggregate classification.

OMIM
Classification: Pathogenic for GLAUCOMA 1, OPEN ANGLE, A. Last evaluated: 1997-09-01. Review status: no assertion criteria provided. Collection method: literature only. Allele origin: germline. Not counted in ClinVar's aggregate classification.

Literature cited by the submitters: PubMed 9361308 (cited by OMIM); PubMed 14193667 (cited by OMIM); PubMed 3756132 (cited by OMIM).

NM_000261.2(MYOC):c.1010A>G (p.Gln337Arg)

Gene: MYOC (myocilin; minus strand). Cytogenetic location: 1q24.3.
Variant type: single nucleotide variant.
Coding change: c.1010A>G on transcript NM_000261.2 (MANE Select); coding-DNA position 1010, A replaced by G.
Protein change: p.Gln337Arg; replaces glutamine 337 with arginine.
Molecular consequence: missense variant.
Genome position (GRCh38, 1-based): chr1:171,636,430, T>C on the plus strand (A>G on the coding strand, the complement: MYOC is on the minus strand). VCF-style: chr1-171636430-T-C. GRCh37 (hg19) VCF-style: chr1-171605570-T-C.
Other names: NM_000261.2(MYOC):c.1010A>G; short protein forms Q337R.
Identifiers: ClinVar variation 7953 (VCV000007953.4), dbSNP rs74315335, ClinGen allele CA119177.
Genomic context (GRCh38, chr1:171,636,430, plus strand): 5'-TCAGCCTTCACTGTCTCGGTATTCAGCTCATATCTTATGACAGTTCTGGACTCAGCGCCC[T>C]GGAAATAGAGGCTCCCCGAGTACACCACAGCACCCGTGCTTTCCAGTGGCCTAGGCAGTA-3'
Protein context (NP_000252.1, residues 327-347): AVVYSGSLYF[Gln337Arg]GAESRTVIRY